The following is an entry in ClinVar:

NM_001122681.2(SH3BP2):c.1424G>A (p.Ser475Asn)

Gene: SH3BP2 (SH3 domain binding protein 2; plus strand). Cytogenetic location: 4p16.3.
Variant type: single nucleotide variant.
Coding change: c.1424G>A on transcript NM_001122681.2 (MANE Select); coding-DNA position 1424, G replaced by A.
Protein change: p.Ser475Asn; replaces serine 475 with asparagine.
Molecular consequence: missense variant.
Genome position (GRCh38, 1-based): chr4:2,832,348, G>A. VCF-style: chr4-2832348-G-A. GRCh37 (hg19) VCF-style: chr4-2834075-G-A.
Other names: c.1508G>A, p.Ser503Asn (NM_001145855.2); c.1595G>A, p.Ser532Asn (NM_001145856.2); c.1424G>A, p.Ser475Asn (NM_003023.4); short protein forms S475N, S503N, S532N.
Identifiers: ClinVar variation 4819975 (VCV004819975.1).

ClinVar aggregate classification (germline): Likely benign (1 of 4 stars; one submission).

Conditions:
Fibrous dysplasia of jaw (CRBM). Also called: Cherubism. Identifiers: Orphanet 184, MedGen C0008029, MONDO:0007315, OMIM 118400.

Submission:

Centre for Medical Genetics,  Mumbai
Classification: Likely benign for Fibrous dysplasia of jaw. Last evaluated: 2026-03-19. Review status: criteria provided, single submitter. Criteria: ACMG Guidelines, 2015. Collection method: provider interpretation. Allele origin: germline. Inheritance: Autosomal dominant inheritance. Affected: no. Observed: 1 variant allele, 1 heterozygote.
Comment: The variant satisfies PM2 criteria; Extremely low frequency in gnomAD population databases. The variant satisfies BP4 criteria; For a missense or a splice region variant, computational prediction tools unanimously support a benign effect on the gene. However, the variant satisfies BS2 criteria.

Literature cited by the submitters: PubMed 11381256.